The following is an entry in ClinVar:

ClinVar aggregate classification (germline): Likely pathogenic (1 of 4 stars; one submission).
ClinVar aggregate classification (oncogenicity): Likely oncogenic (1 of 4 stars; one submission).

Conditions:
Rhabdoid tumor predisposition syndrome 2 (RTPS2). Identifiers: Orphanet 231108, Orphanet 69077, MedGen C2750074, MONDO:0013224, OMIM 613325.
Neoplasm. Also called: Neoplasms; Neoplasm (disease); tumor. Identifiers: MedGen C0027651, MeSH D009369, MONDO:0005070, HP:0002664.

Submissions (2):

Center for Genomic Medicine, Rigshospitalet, Copenhagen University Hospital
Classification: Likely oncogenic for Neoplasm. Last evaluated: 2026-10-16. Review status: criteria provided, single submitter. Criteria: ClinGen/CGC/VICC Guidelines for Oncogenicity, 2022. Collection method: clinical testing. Allele origin: somatic. Affected: yes.

Labcorp Genetics (formerly Invitae), Labcorp
Classification: Likely pathogenic for Rhabdoid tumor predisposition syndrome 2. Last evaluated: 2025-08-13. Review status: criteria provided, single submitter. Criteria: Invitae Variant Classification Sherloc (09022015). Collection method: clinical testing. Allele origin: germline.
Comment: This sequence change affects a donor splice site in intron 22 of the SMARCA4 gene. It is expected to disrupt RNA splicing. Variants that disrupt the donor or acceptor splice site typically lead to a loss of protein function (PMID: 16199547), and loss-of-function variants in SMARCA4 are known to be pathogenic (PMID: 24658001, 24658002). This variant is not present in population databases (gnomAD no frequency). This variant has not been reported in the literature in individuals affected with SMARCA4-related conditions. Algorithms developed to predict the effect of sequence changes on RNA splicing suggest that this variant may disrupt the consensus splice site. In summary, the currently available evidence indicates that the variant is pathogenic, but additional data are needed to prove that conclusively. Therefore, this variant has been classified as Likely Pathogenic.

Literature cited by the submitters: PubMed 16199547 (cited by Labcorp Genetics (formerly Invitae), Labcorp); PubMed 24658001 (cited by Labcorp Genetics (formerly Invitae), Labcorp); PubMed 24658002 (cited by Labcorp Genetics (formerly Invitae), Labcorp).

NM_003072.5(SMARCA4):c.3168+1G>A

Gene: SMARCA4 (SWI/SNF related BAF chromatin remodeling complex subunit ATPase 4; plus strand). Cytogenetic location: 19p13.2.
Variant type: single nucleotide variant.
Coding change: c.3168+1G>A on transcript NM_003072.5 (MANE Select); the canonical splice donor site of the intron after coding-DNA position 3168, G replaced by A.
Molecular consequence: splice donor variant.
Genome position (GRCh38, 1-based): chr19:11,025,509, G>A. VCF-style: chr19-11025509-G-A. GRCh37 (hg19) VCF-style: chr19-11136185-G-A.
Other names: c.3168+1G>A (NM_001128844.3, NM_001128849.3, NM_001128847.4 and 6 more transcripts).
Identifiers: ClinVar variation 4714202 (VCV004714202.2).